The following is an entry in ClinVar:

NM_000341.4(SLC3A1):c.2054G>A (p.Cys685Tyr)

Genes: PREPL (prolyl endopeptidase like; minus strand), SLC3A1 (solute carrier family 3 member 1; plus strand). Cytogenetic location: 2p21.
Variant type: single nucleotide variant.
Coding change: c.2054G>A on transcript NM_000341.4 (MANE Select); coding-DNA position 2054, G replaced by A.
Protein change: p.Cys685Tyr; replaces cysteine 685 with tyrosine.
Molecular consequence: missense variant. On other transcripts: 3 prime UTR variant (10).
Genome position (GRCh38, 1-based): chr2:44,320,635, G>A. VCF-style: chr2-44320635-G-A. GRCh37 (hg19) VCF-style: chr2-44547774-G-A.
Other names: c.*721C>T (NM_001042385.2, NM_001042386.2, NM_001171603.1 and 7 more transcripts); short protein forms C685Y.
Identifiers: ClinVar variation 2156874 (VCV002156874.5), dbSNP rs747267676, ClinGen allele CA1640830.

ClinVar aggregate classification (germline): Uncertain significance. Review status: criteria provided, multiple submitters, no conflicts (2 of 4 stars). 2 submissions from 2 submitters: Uncertain significance (2). Last evaluated 2024-10-23.

Conditions:
Cystinuria (CSNU). Also called: CYSTINURIA, TYPE I; CYSTINURIA, TYPE II; CYSTINURIA, TYPE III; Cystinuria, non-type I. Identifiers: Orphanet 214, MedGen C0010691, MONDO:0009067, OMIM 220100, HP:0003131.

Allele frequency attached by ClinVar (database versions not stated): ExAC 0.00001; gnomAD 0.00001; TOPMed 0.00001.
gnomAD v4.1: 15 of 1,612,942 alleles (0.00093%); highest among the groups gnomAD compares: African/African-American, 0.0013%; no homozygotes.

Submissions (2):

Labcorp Genetics (formerly Invitae), Labcorp
Classification: Uncertain significance for Cystinuria. Last evaluated: 2024-10-23. Review status: criteria provided, single submitter. Criteria: Invitae Variant Classification Sherloc (09022015). Collection method: clinical testing. Allele origin: germline.
Comment: This sequence change replaces cysteine, which is neutral and slightly polar, with tyrosine, which is neutral and polar, at codon 685 of the SLC3A1 protein (p.Cys685Tyr). This variant is present in population databases (rs747267676, gnomAD 0.002%). This variant has not been reported in the literature in individuals affected with SLC3A1-related conditions. ClinVar contains an entry for this variant (Variation ID: 2156874). An algorithm developed to predict the effect of missense changes on protein structure and function (PolyPhen-2) suggests that this variant is likely to be disruptive. In summary, the available evidence is currently insufficient to determine the role of this variant in disease. Therefore, it has been classified as a Variant of Uncertain Significance.

Fulgent Genetics
Classification: Uncertain significance for Cystinuria. Last evaluated: 2024-06-17. Review status: criteria provided, single submitter. Criteria: ACMG Guidelines, 2015. Collection method: clinical testing. Allele origin: germline.